The following is an entry in ClinVar:

ClinVar aggregate classification (germline): Uncertain significance (1 of 4 stars; one submission).

Conditions:
Encephalopathy, acute, infection-induced (herpes-specific), susceptibility to, 6. Also called: Herpes simplex encephalitis, susceptibility to, 4. Identifiers: Orphanet 1930, MedGen C3553869, MONDO:0013921, OMIM 614850.

Allele frequency attached by ClinVar (database versions not stated): ExAC 0.00002; 1000 Genomes Project 30x 0.00016; gnomAD 0.00001; gnomAD exomes 0.00001; 1000 Genomes Project 0.00020; TOPMed 0.00001.
gnomAD v4.1: 9 of 1,613,762 alleles (0.00056%); highest among the groups gnomAD compares: Admixed American, 0.015%; no homozygotes.

Submission:

Labcorp Genetics (formerly Invitae), Labcorp
Classification: Uncertain significance for Encephalopathy, acute, infection-induced (herpes-specific), susceptibility to, 6. Last evaluated: 2024-12-16. Review status: criteria provided, single submitter. Criteria: Invitae Variant Classification Sherloc (09022015). Collection method: clinical testing. Allele origin: germline.
Comment: This sequence change replaces methionine, which is neutral and non-polar, with leucine, which is neutral and non-polar, at codon 595 of the TICAM1 protein (p.Met595Leu). This variant is present in population databases (rs561021962, gnomAD 0.006%). This variant has not been reported in the literature in individuals affected with TICAM1-related conditions. ClinVar contains an entry for this variant (Variation ID: 1011785). An algorithm developed to predict the effect of missense changes on protein structure and function outputs the following: PolyPhen-2: "Benign". The leucine amino acid residue is found in multiple mammalian species, which suggests that this missense change does not adversely affect protein function. In summary, the available evidence is currently insufficient to determine the role of this variant in disease. Therefore, it has been classified as a Variant of Uncertain Significance.

NM_182919.4(TICAM1):c.1783A>T (p.Met595Leu)

Gene: TICAM1 (TIR domain containing adaptor molecule 1; minus strand). Cytogenetic location: 19p13.3.
Variant type: single nucleotide variant.
Coding change: c.1783A>T on transcript NM_182919.4 (MANE Select); coding-DNA position 1783, A replaced by T.
Protein change: p.Met595Leu; replaces methionine 595 with leucine.
Molecular consequence: missense variant.
Genome position (GRCh38, 1-based): chr19:4,816,595, T>A on the plus strand (A>T on the coding strand, the complement: TICAM1 is on the minus strand). VCF-style: chr19-4816595-T-A. GRCh37 (hg19) VCF-style: chr19-4816607-T-A.
Other names: c.1741A>T, p.Met581Leu (NM_001385678.1); c.1648A>T, p.Met550Leu (NM_001385679.1); c.1141A>T, p.Met381Leu (NM_001385680.1); short protein forms M381L, M550L, M581L, M595L.
Identifiers: ClinVar variation 1011785 (VCV001011785.7), dbSNP rs561021962, ClinGen allele CA9105072.